The following is an entry in ClinVar:

ClinVar aggregate classification (germline): Pathogenic (1 of 4 stars; one submission).

Conditions:
Cardiovascular phenotype. Identifiers: MedGen CN230736.
Hereditary cancer-predisposing syndrome. Also called: Tumor predisposition; Neoplastic Syndromes, Hereditary; Hereditary neoplastic syndrome; Hereditary Cancer Syndrome. Identifiers: Orphanet 140162, MedGen C0027672, MeSH D009386, MONDO:0015356.

Submission:

Ambry Genetics
Classification: Pathogenic for Cardiovascular phenotype; Hereditary cancer-predisposing syndrome. Last evaluated: 2025-07-29. Review status: criteria provided, single submitter. Criteria: Ambry Variant Classification Scheme 2023. Collection method: clinical testing. Allele origin: germline.
Comment: The c.1877_1881delTGGAG pathogenic mutation, located in coding exon 16 of the LZTR1 gene, results from a deletion of 5 nucleotides at nucleotide positions 1877 to 1881, causing a translational frameshift with a predicted alternate stop codon (p.V626Dfs*41). This variant was reported in individual(s) with features consistent with LZTR1-related schwannomatosis (Ambry internal data). This variant is considered to be rare based on population cohorts in the Genome Aggregation Database (gnomAD). This alteration is expected to result in loss of function by premature protein truncation or nonsense-mediated mRNA decay. Loss-of-function variants in LZTR1 are related to an increased risk for schwannomas and autosomal recessive Noonan syndrome; however, such associations with autosomal dominant Noonan syndrome have not been observed (Piotrowski A et al. Nat Genet. 2014 Feb;46:182-7; Yamamoto GL et al. J Med Genet. 2015 Jun;52:413-21; Johnston JJ et al. Genet Med. 2018 10;20:1175-1185). Based on the supporting evidence, this variant is pathogenic for an increased risk of LZTR1-related schwannomatosis (SWN) and would be expected to cause autosomal recessive Noonan syndrome when present along with a second pathogenic or likely pathogenic variant on the other allele; however, the association of this alteration with autosomal dominant Noonan syndrome is unlikely.

NM_006767.4(LZTR1):c.1877_1881del (p.Val626fs)

Gene: LZTR1 (leucine zipper like post translational regulator 1; plus strand). Cytogenetic location: 22q11.21.
Variant type: Deletion.
Coding change: c.1877_1881del on transcript NM_006767.4 (MANE Select); coding-DNA positions 1877 to 1881, 5 bases deleted (TGGAG; older notation c.1877_1881delTGGAG).
Protein change: p.Val626fs; shifts the reading frame from valine 626.
Molecular consequence: frameshift variant.
Genome position (GRCh38, 1-based): chr22:20,994,961-20,994,965, TGGAG deleted; deleting any 5 consecutive bases within chr22:20,994,959-20,994,965 gives the same sequence; the c. name uses the placement nearest the transcript's 3' end. VCF-style (leftmost placement, unchanged base first): chr22-20994958-TAGTGG-T. GRCh37 (hg19) VCF-style: chr22-21349247-TAGTGG-T.
Other names: short protein forms V626fs.
Identifiers: ClinVar variation 4101820 (VCV004101820.1).